The following is an entry in ClinVar:

ClinVar aggregate classification (germline): Pathogenic (1 of 4 stars; one submission).

Conditions:
Amyotrophic lateral sclerosis type 12 (ALS12). Also called: AMYOTROPHIC LATERAL SCLEROSIS 12 WITH OR WITHOUT FRONTOTEMPORAL DEMENTIA. Identifiers: Orphanet 803, MedGen C3150692, MONDO:0013264, OMIM 613435.
Primary open angle glaucoma (POAG). Also called: OPTN-related open angle glaucoma. Identifiers: MedGen C0339573, MONDO:0100553, OMIM 137760.
Glaucoma 1, open angle, E. Identifiers: MedGen C1842026, MONDO:0007665.

Submission:

Labcorp Genetics (formerly Invitae), Labcorp
Classification: Pathogenic for Primary open angle glaucoma; Glaucoma 1, open angle, E; Amyotrophic lateral sclerosis type 12. Last evaluated: 2022-01-28. Review status: criteria provided, single submitter. Criteria: Invitae Variant Classification Sherloc (09022015). Collection method: clinical testing. Allele origin: germline.
Comment: For these reasons, this variant has been classified as Pathogenic. This variant has not been reported in the literature in individuals affected with OPTN-related conditions. This variant is not present in population databases (gnomAD no frequency). This sequence change creates a premature translational stop signal (p.Lys223Argfs*9) in the OPTN gene. It is expected to result in an absent or disrupted protein product. Loss-of-function variants in OPTN are known to be pathogenic (PMID: 20428114).

Literature cited by the submitters: PubMed 20428114.

NM_001008212.2(OPTN):c.666del (p.Lys223fs)

Gene: OPTN (optineurin; plus strand). Cytogenetic location: 10p13.
Variant type: Deletion.
Coding change: c.666del on transcript NM_001008212.2 (MANE Select); coding-DNA position 666, one base deleted (C; older notation c.666delC).
Protein change: p.Lys223fs; shifts the reading frame from lysine 223.
Molecular consequence: frameshift variant.
Genome position (GRCh38, 1-based): chr10:13,118,927, C deleted; the last of 2 consecutive C bases (chr10:13,118,926-13,118,927); deleting either gives the same sequence. VCF-style (leftmost placement, unchanged base first): chr10-13118925-GC-G. GRCh37 (hg19) VCF-style: chr10-13160925-GC-G.
Other names: c.666del, p.Lys223fs (NM_001008211.1, NM_001008213.1, NM_021980.4); short protein forms K223fs.
Identifiers: ClinVar variation 2090693 (VCV002090693.4), dbSNP rs2539056279, ClinGen allele CA2580081336.